The following is an entry in ClinVar:

ClinVar aggregate classification (germline): Uncertain significance (1 of 4 stars; one submission).

Allele frequency attached by ClinVar (database versions not stated): TOPMed 0.00001.
gnomAD v4.1: 3 of 1,613,970 alleles (0.00019%); highest among the groups gnomAD compares: Non-Finnish European, 0.00025%; no homozygotes.

Submission:

Labcorp Genetics (formerly Invitae), Labcorp
Classification: Uncertain significance. Last evaluated: 2022-08-13. Review status: criteria provided, single submitter. Criteria: Invitae Variant Classification Sherloc (09022015). Collection method: clinical testing. Allele origin: germline.
Comment: In summary, the available evidence is currently insufficient to determine the role of this variant in disease. Therefore, it has been classified as a Variant of Uncertain Significance. Algorithms developed to predict the effect of missense changes on protein structure and function (SIFT, PolyPhen-2, Align-GVGD) all suggest that this variant is likely to be tolerated. This variant has not been reported in the literature in individuals affected with GORAB-related conditions. This variant is present in population databases (no rsID available, gnomAD 0.0009%). This sequence change replaces proline, which is neutral and non-polar, with alanine, which is neutral and non-polar, at codon 151 of the GORAB protein (p.Pro151Ala).

NM_152281.3(GORAB):c.376C>G (p.Pro126Ala)

Gene: GORAB (golgin, RAB6 interacting; plus strand). Cytogenetic location: 1q24.2.
Variant type: single nucleotide variant.
Coding change: c.376C>G on transcript NM_152281.3 (MANE Select); coding-DNA position 376, C replaced by G.
Protein change: p.Pro126Ala; replaces proline 126 with alanine.
Molecular consequence: missense variant. On other transcripts: 5 prime UTR variant (1), non-coding transcript variant (1).
Genome position (GRCh38, 1-based): chr1:170,539,524, C>G. VCF-style: chr1-170539524-C-G. GRCh37 (hg19) VCF-style: chr1-170508665-C-G.
Other names: c.376C>G, p.Pro126Ala (NM_001146039.2); c.-90C>G (NM_001320252.2); c.325C>G, p.Pro109Ala (NM_001410894.1); short protein forms P109A, P126A.
Identifiers: ClinVar variation 1950905 (VCV001950905.5), dbSNP rs1286921903, ClinGen allele CA343162983.